The following is an entry in ClinVar:

ClinVar aggregate classification (germline): Conflicting classifications of pathogenicity. Review status: criteria provided, conflicting classifications (1 of 4 stars). 2 submissions from 2 submitters: Pathogenic (1); Uncertain significance (1). Last evaluated 2024-06-28.

Conditions:
Charcot-Marie-Tooth disease type 4A. Also called: Charcot-Marie-Tooth disease, demyelinating, autosomal recessive, type 4a. Identifiers: Orphanet 99948, MedGen C1859198, MONDO:0008961, OMIM 214400.

Submissions (2):

Labcorp Genetics (formerly Invitae), Labcorp
Classification: Pathogenic for Charcot-Marie-Tooth disease type 4A. Last evaluated: 2024-06-28. Review status: criteria provided, single submitter. Criteria: Invitae Variant Classification Sherloc (09022015). Collection method: clinical testing. Allele origin: germline.
Comment: This sequence change replaces glutamic acid, which is acidic and polar, with lysine, which is basic and polar, at codon 126 of the GDAP1 protein (p.Glu126Lys). This variant is not present in population databases (gnomAD no frequency). This missense change has been observed in individuals with autosomal dominant Charcot-Marie-Tooth disease (PMID: 28244113; Invitae). It has also been observed to segregate with disease in related individuals. ClinVar contains an entry for this variant (Variation ID: 245933). An algorithm developed to predict the effect of missense changes on protein structure and function (PolyPhen-2) suggests that this variant is likely to be disruptive. For these reasons, this variant has been classified as Pathogenic.

GeneDx
Classification: Uncertain significance. Last evaluated: 2015-09-17. Review status: criteria provided, single submitter. Criteria: GeneDx Variant Classification (06012015). Collection method: clinical testing. Allele origin: germline. Affected: yes.
Comment: The E126K variant has not been published as pathogenic, nor has it been reported as a benign polymorphism to our knowledge. It was not observed in approximately 6,500 individuals of European and African American ancestry in the NHLBI Exome Sequencing Project, indicating it is not a common benign variant in these populations. The E126K variant is a non-conservative amino acid substitution, which is likely to impact secondary protein structure as these residues differ in polarity, charge, size and/or other properties. This substitution occurs at a position that is conserved in mammals, and multiple missense variants in nearby residues have been reported in the Human Gene Mutation Database in association with Charcot-Marie Tooth disease (Stenson et al., 2014), supporting the functional importance of this region of the protein. Specifically, R120W and H123R have been associated with autosomal dominant CMT (Zimon et al., 2011). In silico analysis is inconsistent in its predictions as to whether or not the E126K variant is damaging to the protein structure/function. Based on the currently available information, it is unclear whether this variant is a pathogenic variant or a rare benign variant.

Literature cited by the submitters: PubMed 28244113 (cited by Labcorp Genetics (formerly Invitae), Labcorp).

NM_018972.4(GDAP1):c.376G>A (p.Glu126Lys)

Gene: GDAP1 (ganglioside induced differentiation associated protein 1; plus strand). Cytogenetic location: 8q21.11.
Variant type: single nucleotide variant.
Coding change: c.376G>A on transcript NM_018972.4 (MANE Select); coding-DNA position 376, G replaced by A.
Protein change: p.Glu126Lys; replaces glutamic acid 126 with lysine.
Molecular consequence: missense variant. On other transcripts: intron variant (1).
Genome position (GRCh38, 1-based): chr8:74,360,202, G>A. VCF-style: chr8-74360202-G-A. GRCh37 (hg19) VCF-style: chr8-75272437-G-A.
Other names: c.172G>A, p.Glu58Lys (NM_001040875.4); c.49G>A, p.Glu17Lys (NM_001362929.2, NM_001362932.2); c.376G>A, p.Glu126Lys (NM_001362931.2); c.311-1682G>A (NM_001362930.2); short protein forms E126K, E17K, E58K.
Identifiers: ClinVar variation 245933 (VCV000245933.12), dbSNP rs879254005, ClinGen allele CA10584293.